The following is an entry in ClinVar:

ClinVar aggregate classification (germline): Uncertain significance (1 of 4 stars; one submission).

Allele frequency attached by ClinVar (database versions not stated): gnomAD 0.00001; TOPMed 0.00001; ExAC 0.00002.
gnomAD v4.1: 59 of 1,608,636 alleles (0.0037%); highest among the groups gnomAD compares: Non-Finnish European, 0.0048%; no homozygotes.

Submission:

Labcorp Genetics (formerly Invitae), Labcorp
Classification: Uncertain significance. Last evaluated: 2024-12-24. Review status: criteria provided, single submitter. Criteria: Invitae Variant Classification Sherloc (09022015). Collection method: clinical testing. Allele origin: germline.
Comment: This sequence change replaces proline, which is neutral and non-polar, with arginine, which is basic and polar, at codon 534 of the CCT2 protein (p.Pro534Arg). This variant is present in population databases (rs747002248, gnomAD 0.004%). This variant has not been reported in the literature in individuals affected with CCT2-related conditions. ClinVar contains an entry for this variant (Variation ID: 968863). An algorithm developed to predict the effect of missense changes on protein structure and function (PolyPhen-2) suggests that this variant is likely to be tolerated. In summary, the available evidence is currently insufficient to determine the role of this variant in disease. Therefore, it has been classified as a Variant of Uncertain Significance.

NM_006431.3(CCT2):c.1601C>G (p.Pro534Arg)

Gene: CCT2 (chaperonin containing TCP1 subunit 2; plus strand). Cytogenetic location: 12q15.
Variant type: single nucleotide variant.
Coding change: c.1601C>G on transcript NM_006431.3 (MANE Select); coding-DNA position 1601, C replaced by G.
Protein change: p.Pro534Arg; replaces proline 534 with arginine.
Molecular consequence: missense variant.
Genome position (GRCh38, 1-based): chr12:69,601,318, C>G. VCF-style: chr12-69601318-C-G. GRCh37 (hg19) VCF-style: chr12-69995098-C-G.
Other names: c.1460C>G, p.Pro487Arg (NM_001198842.2); short protein forms P487R, P534R.
Identifiers: ClinVar variation 968863 (VCV000968863.7), dbSNP rs747002248, ClinGen allele CA6680936.
Genomic context (GRCh38, chr12:69,601,318, plus strand): 5'-TCATTTTTCACTATTGACTTTTTTCTTACTCTCATAGGAAACGTGTCCCTGATCACCACC[C>G]CTGTTAAGCATTCCCACGTGCTGTCGATCTTTGGACCAGTTTCTAGCAAAGTTGTGTTTG-3'
Protein context (NP_006422.1, residues 524-535): APRKRVPDHH[Pro534Arg]C